The following is an entry in ClinVar:

NM_001129820.2(SLFN14):c.2524C>A (p.His842Asn)

Gene: SLFN14 (schlafen family member 14; minus strand). Cytogenetic location: 17q12.
Variant type: single nucleotide variant.
Coding change: c.2524C>A on transcript NM_001129820.2 (MANE Select); coding-DNA position 2524, C replaced by A.
Protein change: p.His842Asn; replaces histidine 842 with asparagine.
Molecular consequence: missense variant.
Genome position (GRCh38, 1-based): chr17:35,548,454, G>T on the plus strand (C>A on the coding strand, the complement: SLFN14 is on the minus strand). VCF-style: chr17-35548454-G-T. GRCh37 (hg19) VCF-style: chr17-33875473-G-T.
Other names: short protein forms H842N.
Identifiers: ClinVar variation 3353474 (VCV003353474.1).
Genomic context (GRCh38, chr17:35,548,454, plus strand): 5'-AAACAATGTGACTTCCCCAAACACCGGTGGCCGGGCTAAACACAACCTCTGATGGTCTGT[G>T]GGTCTCAATTAATTCCATTGCTTTGAGTAGTGCAAGCCTATAGCGTCCTCTGTCCTCCCC-3'
Protein context (NP_001123292.1, residues 832-852): LLKAMELIET[His842Asn]RPSEVVFSPA

ClinVar aggregate classification (germline): Uncertain significance (0 of 4 stars; one submission).

Conditions:
SLFN14-related disorder. Also called: SLFN14-related condition.

Submission:

PreventionGenetics, part of Exact Sciences
Classification: Uncertain significance for SLFN14-related condition. Last evaluated: 2024-06-04. Review status: no assertion criteria provided. Collection method: clinical testing. Allele origin: germline.
Comment: The SLFN14 c.2524C>A variant is predicted to result in the amino acid substitution p.His842Asn. To our knowledge, this variant has not been reported in the literature or in a large population database, indicating this variant is rare. Although we suspect that this variant may be pathogenic, at this time, the clinical significance of this variant is uncertain due to the absence of conclusive functional and genetic evidence.